The following is an entry in ClinVar:

NM_002691.4(POLD1):c.521G>A (p.Arg174Gln)

Gene: POLD1 (DNA polymerase delta 1, catalytic subunit; plus strand). Cytogenetic location: 19q13.33.
Variant type: single nucleotide variant.
Coding change: c.521G>A on transcript NM_002691.4 (MANE Select); coding-DNA position 521, G replaced by A.
Protein change: p.Arg174Gln; replaces arginine 174 with glutamine.
Molecular consequence: missense variant. On other transcripts: non-coding transcript variant (1).
Genome position (GRCh38, 1-based): chr19:50,402,056, G>A. VCF-style: chr19-50402056-G-A. GRCh37 (hg19) VCF-style: chr19-50905313-G-A.
Other names: c.521G>A, p.Arg174Gln (NM_001256849.1, NM_001308632.1); short protein forms R174Q.
Identifiers: ClinVar variation 239352 (VCV000239352.68), dbSNP rs141976385, ClinGen allele CA9595771.
Genomic context (GRCh38, chr19:50,402,056, plus strand): 5'-CAGGTTTCGGGCCCGAGCACATGGGTGACCTGCAACGGGAGCTGAACTTGGCCATCAGCC[G>A]GGACAGTCGCGGGGGGAGGGAGCTGACTGGGCCGGCCGTGCTGGCTGTGGAACTGTGCTC-3'
Protein context (NP_002682.2, residues 164-184): LQRELNLAIS[Arg174Gln]DSRGGRELTG

ClinVar aggregate classification (germline): Conflicting classifications of pathogenicity. Review status: criteria provided, conflicting classifications (1 of 4 stars). 9 submissions from 9 submitters: Uncertain significance (6); Likely benign (2). 1 of the submissions does not count toward it. Last evaluated 2026-01-13.

Conditions:
Hereditary cancer-predisposing syndrome. Also called: Tumor predisposition; Hereditary Cancer Syndrome; Neoplastic Syndromes, Hereditary; Hereditary neoplastic syndrome. Identifiers: Orphanet 140162, MedGen C0027672, MeSH D009386, MONDO:0015356.
POLD1-related polyposis and colorectal cancer syndrome (CRCS10). Also called: Colorectal cancer 10; COLORECTAL CANCER, SUSCEPTIBILITY TO, ON CHROMOSOME 19q; Colorectal cancer, susceptibility to, 10. Identifiers: Orphanet 220460, MedGen C2675481, MONDO:0012953, OMIM 612591.
Familial colorectal cancer. Identifiers: MedGen CN280943, MONDO:0023113. Disease mechanism: loss of function.

Allele frequency attached by ClinVar (database versions not stated): ExAC 0.00007; TOPMed 0.00008; gnomAD exomes 0.00009; gnomAD 0.00011; ESP Exome Variant Server 0.00015.
gnomAD v4.1: 174 of 1,613,996 alleles (0.011%); highest among the groups gnomAD compares: Non-Finnish European, 0.013%; no homozygotes.

Submissions (9):

Labcorp Genetics (formerly Invitae), Labcorp
Classification: Uncertain significance for POLD1-related polyposis and colorectal cancer syndrome. Last evaluated: 2026-01-13. Review status: criteria provided, single submitter. Criteria: Invitae Variant Classification Sherloc (09022015). Collection method: clinical testing. Allele origin: germline.
Comment: This sequence change replaces arginine, which is basic and polar, with glutamine, which is neutral and polar, at codon 174 of the POLD1 protein (p.Arg174Gln). This variant is present in population databases (rs141976385, gnomAD 0.01%). This variant has not been reported in the literature in individuals affected with POLD1-related conditions. ClinVar contains an entry for this variant (Variation ID: 239352). Invitae Evidence Modeling of protein sequence and biophysical properties (such as structural, functional, and spatial information, amino acid conservation, physicochemical variation, residue mobility, and thermodynamic stability) indicates that this missense variant is not expected to disrupt POLD1 protein function with a negative predictive value of 80%. In summary, the available evidence is currently insufficient to determine the role of this variant in disease. Therefore, it has been classified as a Variant of Uncertain Significance.

Center for Genomic Medicine, Rigshospitalet, Copenhagen University Hospital
Classification: Uncertain significance. Last evaluated: 2025-12-29. Review status: criteria provided, single submitter. Criteria: ACMG Guidelines, 2015. Collection method: clinical testing. Allele origin: germline.

Ambry Genetics
Classification: Likely benign for Hereditary cancer-predisposing syndrome. Last evaluated: 2024-09-18. Review status: criteria provided, single submitter. Criteria: Ambry Variant Classification Scheme 2023. Collection method: clinical testing. Allele origin: germline.

GeneDx
Classification: Uncertain significance. Last evaluated: 2023-11-21. Review status: criteria provided, single submitter. Criteria: GeneDx Variant Classification Process June 2021. Collection method: clinical testing. Allele origin: germline. Affected: yes.
Comment: In silico analysis supports that this missense variant does not alter protein structure/function; Observed in an individual with breast cancer (PMID: 35264596); This variant is associated with the following publications: (PMID: 30061258, 35264596)

CeGaT Center for Human Genetics Tuebingen
Classification: Likely benign. Last evaluated: 2021-03-01. Review status: criteria provided, single submitter. Criteria: CeGaT Center For Human Genetics Tuebingen Variant Classification Criteria Version 2. Collection method: clinical testing. Allele origin: germline. Affected: yes. Observed: 1 variant allele.

Mendelics
Classification: Uncertain significance for Familial colorectal cancer. Last evaluated: 2018-07-02. Review status: criteria provided, single submitter. Criteria: Mendelics Assertion Criteria 2017. Collection method: clinical testing. Allele origin: unknown.

Quest Diagnostics Nichols Institute San Juan Capistrano
Classification: Uncertain significance. Last evaluated: 2017-11-03. Review status: criteria provided, single submitter. Criteria: Quest Diagnostics criteria. Collection method: clinical testing. Allele origin: germline.

PreventionGenetics, part of Exact Sciences
Classification: Uncertain significance. Last evaluated: 2017-09-08. Review status: criteria provided, single submitter. Criteria: ACMG Guidelines, 2015. Collection method: clinical testing. Allele origin: germline.

Zotz-Klimas Genetics Lab, MVZ Zotz Klimas
Classification: Uncertain significance for POLD1-related polyposis and colorectal cancer syndrome. Last evaluated: 2023-10-30. Review status: no assertion criteria provided. Collection method: clinical testing. Allele origin: germline. Affected: yes. Not counted in ClinVar's aggregate classification.